The following is an entry in ClinVar:

ClinVar aggregate classification (germline): Uncertain significance (1 of 4 stars; one submission).

Conditions:
Autosomal recessive severe congenital neutropenia due to CSF3R deficiency. Also called: Neutropenia, severe congenital, 7, autosomal recessive. Identifiers: Orphanet 420702, MedGen C4310764, MONDO:0014865, OMIM 617014.

Allele frequency attached by ClinVar (database versions not stated): gnomAD exomes below 0.00001; TOPMed below 0.00001.
gnomAD v4.1: 7 of 1,613,602 alleles (0.00043%); highest among the groups gnomAD compares: South Asian, 0.0044%; no homozygotes.

Submission:

Labcorp Genetics (formerly Invitae), Labcorp
Classification: Uncertain significance for Autosomal recessive severe congenital neutropenia due to CSF3R deficiency. Last evaluated: 2023-07-28. Review status: criteria provided, single submitter. Criteria: Invitae Variant Classification Sherloc (09022015). Collection method: clinical testing. Allele origin: germline.
Comment: This variant is not present in population databases (gnomAD no frequency). This variant has not been reported in the literature in individuals affected with CSF3R-related conditions. Advanced modeling of protein sequence and biophysical properties (such as structural, functional, and spatial information, amino acid conservation, physicochemical variation, residue mobility, and thermodynamic stability) performed at Invitae indicates that this missense variant is not expected to disrupt CSF3R protein function. In summary, the available evidence is currently insufficient to determine the role of this variant in disease. Therefore, it has been classified as a Variant of Uncertain Significance. This sequence change replaces methionine, which is neutral and non-polar, with threonine, which is neutral and polar, at codon 222 of the CSF3R protein (p.Met222Thr).

NM_000760.4(CSF3R):c.665T>C (p.Met222Thr)

Gene: CSF3R (colony stimulating factor 3 receptor; minus strand). Cytogenetic location: 1p34.3.
Variant type: single nucleotide variant.
Coding change: c.665T>C on transcript NM_000760.4 (MANE Select); coding-DNA position 665, T replaced by C.
Protein change: p.Met222Thr; replaces methionine 222 with threonine.
Molecular consequence: missense variant.
Genome position (GRCh38, 1-based): chr1:36,473,443, A>G on the plus strand (T>C on the coding strand, the complement: CSF3R is on the minus strand). VCF-style: chr1-36473443-A-G. GRCh37 (hg19) VCF-style: chr1-36939044-A-G.
Other names: c.665T>C, p.Met222Thr (NM_156039.3, NM_172313.3); short protein forms M222T.
Identifiers: ClinVar variation 2989538 (VCV002989538.3), dbSNP rs1238404143, ClinGen allele CA339423526.
Genomic context (GRCh38, chr1:36,473,443, plus strand): 5'-CTCTCAGTGTCTGCCCATTTTGGGGATCCCCTCCCTCCCCTGCATCACCCACCAACATCC[A>G]TGGGATCAAGACACAGTTGTGGGGACATGCTGGTCCCCAGCGCATTCTCTGCCTGCACCC-3'
Protein context (NP_000751.1, residues 212-232): SMSPQLCLDP[Met222Thr]DVVKLEPPML